The following is an entry in ClinVar:

NM_014874.4(MFN2):c.1873-154C>G

Gene: MFN2 (mitofusin 2; plus strand). Cytogenetic location: 1p36.22.
Variant type: single nucleotide variant.
Coding change: c.1873-154C>G on transcript NM_014874.4 (MANE Select); 154 bases into the intron before coding-DNA position 1873, C replaced by G.
Molecular consequence: intron variant.
Genome position (GRCh38, 1-based): chr1:12,006,899, C>G. VCF-style: chr1-12006899-C-G. GRCh37 (hg19) VCF-style: chr1-12066956-C-G.
Other names: c.1873-154C>G (NM_001127660.2).
Identifiers: ClinVar variation 677085 (VCV000677085.2), dbSNP rs116069423, ClinGen allele CA18013255.

ClinVar aggregate classification (germline): Benign. Review status: criteria provided, multiple submitters, no conflicts (2 of 4 stars). 2 submissions from 2 submitters: Benign (2). Last evaluated 2018-06-16.

Allele frequency attached by ClinVar (database versions not stated): TOPMed 0.03262; 1000 Genomes Project 0.03375; 1000 Genomes Project 30x 0.03576.
gnomAD v4.1: 4,385 of 152,294 alleles (2.9%); highest among the groups gnomAD compares: African/African-American, 9.9%; 205 homozygotes.

Submissions (2):

GeneDx
Classification: Benign. Last evaluated: 2018-06-16. Review status: criteria provided, single submitter. Criteria: GeneDx Variant Classification (06012015). Collection method: clinical testing. Allele origin: germline. Affected: yes.
Comment: This variant is considered likely benign or benign based on one or more of the following criteria: it is a conservative change, it occurs at a poorly conserved position in the protein, it is predicted to be benign by multiple in silico algorithms, and/or has population frequency not consistent with disease.

Breakthrough Genomics
Classification: Benign. Review status: criteria provided, single submitter. Criteria: ACMG Guidelines, 2015. Collection method: not provided. Allele origin: germline. Inheritance: Autosomal recessive inheritance. Affected: yes.